The following is an entry in ClinVar:

ClinVar aggregate classification (germline): Pathogenic. Review status: criteria provided, multiple submitters, no conflicts (2 of 4 stars). 2 submissions from 2 submitters: Pathogenic (2). Last evaluated 2025-07-21.

Conditions:
Neurofibromatosis, type 1 (NF1). Also called: VON RECKLINGHAUSEN DISEASE; NEUROFIBROMATOSIS, TYPE I, SOMATIC; Peripheral type neurofibromatosis; Neurofibromatosis, type I. Identifiers: Orphanet 636, MedGen C0027831, MONDO:0018975, OMIM 162200. Disease mechanism: loss of function.

Submissions (2):

GeneDx
Classification: Pathogenic. Last evaluated: 2025-07-21. Review status: criteria provided, single submitter. Criteria: GeneDx Variant Classification Process June 2021. Collection method: clinical testing. Allele origin: germline. Affected: yes.
Comment: Canonical splice site variant predicted to result in a null allele in a gene for which loss of function is a known mechanism of disease; Not observed at significant frequency in large population cohorts (gnomAD); This variant is associated with the following publications: (PMID: 9544853, 35982159, 17311297)

Labcorp Genetics (formerly Invitae), Labcorp
Classification: Pathogenic for Neurofibromatosis, type 1. Last evaluated: 2025-03-19. Review status: criteria provided, single submitter. Criteria: Invitae Variant Classification Sherloc (09022015). Collection method: clinical testing. Allele origin: germline.
Comment: This sequence change affects a donor splice site in intron 26 of the NF1 gene. RNA analysis indicates that disruption of this splice site induces altered splicing and may result in an absent or altered protein product. This variant is not present in population databases (gnomAD no frequency). Disruption of this splice site has been observed in individual(s) with neurofibromatosis type 1 (PMID: 9544853). Studies have shown that disruption of this splice site results in skipping of exon 26 (also known as exon 20), and produces a non-functional protein and/or introduces a premature termination codon (PMID: 9544853). For these reasons, this variant has been classified as Pathogenic.

Literature cited by the submitters: PubMed 9544853 (cited by Labcorp Genetics (formerly Invitae), Labcorp).

NM_001042492.3(NF1):c.3496+2T>G

Gene: NF1 (neurofibromin 1; plus strand). Cytogenetic location: 17q11.2.
Variant type: single nucleotide variant.
Coding change: c.3496+2T>G on transcript NM_001042492.3 (MANE Select); the canonical splice donor site of the intron after coding-DNA position 3496, T replaced by G.
Molecular consequence: splice donor variant.
Genome position (GRCh38, 1-based): chr17:31,232,883, T>G. VCF-style: chr17-31232883-T-G. GRCh37 (hg19) VCF-style: chr17-29559901-T-G.
Other names: c.3496+2T>G (NM_000267.4).
Identifiers: ClinVar variation 3722658 (VCV003722658.3).